The following is an entry in ClinVar:

NM_145059.3(FCSK):c.1077G>C (p.Gln359His)

Gene: FCSK (fucose kinase; plus strand). Cytogenetic location: 16q22.1.
Variant type: single nucleotide variant.
Coding change: c.1077G>C on transcript NM_145059.3 (MANE Select); coding-DNA position 1077, G replaced by C.
Protein change: p.Gln359His; replaces glutamine 359 with histidine.
Molecular consequence: missense variant.
Genome position (GRCh38, 1-based): chr16:70,470,979, G>C. VCF-style: chr16-70470979-G-C. GRCh37 (hg19) VCF-style: chr16-70504882-G-C.
Other names: c.1077G>C (NM_145059.2); short protein forms Q359H.
Identifiers: ClinVar variation 3612038 (VCV003612038.3).
Genomic context (GRCh38, chr16:70,470,979, plus strand): 5'-GGGCAGCCCTGGGCCTCGACCCCCCTCATGCTCCTCCTACCTGGCTGCACAGGAGCAGCA[G>C]CTTCTGGCGGCCGGGAGCTCTGTGGTCAGCTGCCTGCTGGAGGGCCCTGTCCAGCTGGGT-3'
Protein context (NP_659496.2, residues 349-369): QIVHSQVEEQ[Gln359His]LLAAGSSVVS

ClinVar aggregate classification (germline): Uncertain significance. Review status: criteria provided, multiple submitters, no conflicts (2 of 4 stars). 2 submissions from 2 submitters: Uncertain significance (2). Last evaluated 2025-05-17.

gnomAD v4.1: 2 of 1,587,624 alleles (0.00013%); highest among the groups gnomAD compares: Admixed American, 0.0035%; no homozygotes.

Submissions (2):

Ambry Genetics
Classification: Uncertain significance. Last evaluated: 2025-05-17. Review status: criteria provided, single submitter. Criteria: Ambry Variant Classification Scheme 2023. Collection method: clinical testing. Allele origin: germline.

Labcorp Genetics (formerly Invitae), Labcorp
Classification: Uncertain significance. Last evaluated: 2024-09-21. Review status: criteria provided, single submitter. Criteria: Invitae Variant Classification Sherloc (09022015). Collection method: clinical testing. Allele origin: germline.
Comment: This sequence change replaces glutamine, which is neutral and polar, with histidine, which is basic and polar, at codon 359 of the FUK protein (p.Gln359His). This variant is present in population databases (no rsID available, gnomAD 0.007%). This variant has not been reported in the literature in individuals affected with FUK-related conditions. An algorithm developed to predict the effect of missense changes on protein structure and function (PolyPhen-2) suggests that this variant is likely to be tolerated. In summary, the available evidence is currently insufficient to determine the role of this variant in disease. Therefore, it has been classified as a Variant of Uncertain Significance.